The following is an entry in ClinVar:

ClinVar aggregate classification (germline): Likely benign (0 of 4 stars; one submission).

Conditions:
BCO1-related disorder. Also called: BCO1-related condition.

Allele frequency attached by ClinVar (database versions not stated): ExAC 0.00002; gnomAD 0.00002; gnomAD exomes 0.00002; TOPMed 0.00003; ESP Exome Variant Server 0.00008; 1000 Genomes Project 30x 0.00016; 1000 Genomes Project 0.00020.
gnomAD v4.1: 32 of 1,614,072 alleles (0.002%); highest among the groups gnomAD compares: African/African-American, 0.0053%; no homozygotes.

Submission:

PreventionGenetics, part of Exact Sciences
Classification: Likely benign for BCO1-related condition. Last evaluated: 2022-12-22. Review status: no assertion criteria provided. Collection method: clinical testing. Allele origin: germline.
Comment: This variant is classified as likely benign based on ACMG/AMP sequence variant interpretation guidelines (Richards et al. 2015 PMID: 25741868, with internal and published modifications).

NM_017429.3(BCO1):c.495G>A (p.Ala165=)

Gene: BCO1 (beta-carotene oxygenase 1; plus strand). Cytogenetic location: 16q23.2.
Variant type: single nucleotide variant.
Coding change: c.495G>A on transcript NM_017429.3 (MANE Select); coding-DNA position 495, G replaced by A.
Protein change: p.Ala165=; no amino-acid change (alanine 165 retained).
Molecular consequence: synonymous variant.
Genome position (GRCh38, 1-based): chr16:81,264,663, G>A. VCF-style: chr16-81264663-G-A. GRCh37 (hg19) VCF-style: chr16-81298268-G-A.
Identifiers: ClinVar variation 3030112 (VCV003030112.2), dbSNP rs369214485, ClinGen allele CA8190780.
Genomic context (GRCh38, chr16:81,264,663, plus strand): 5'-AAATACTTTAAAAAACAGGAGGTGTCATATCTTGCAGGTTGATTATCGTAAATACGTGGC[G>A]GTAAATCTGGCAACGTCACATCCCCATTATGATGAGGCTGGAAATGTTCTAAACATGGGC-3'
Protein context (NP_059125.2, residues 155-175): LEKVDYRKYV[Ala165=]VNLATSHPHY